The following is an entry in ClinVar:

NM_005422.4(TECTA):c.2264dup (p.Asn755fs)

Genes: TBCEL-TECTA (TBCEL-TECTA readthrough; plus strand), TECTA (tectorin alpha; plus strand). Cytogenetic location: 11q23.3.
Variant type: Duplication.
Coding change: c.2264dup on transcript NM_005422.4 (MANE Select); coding-DNA position 2264, one base duplicated (A; older notation c.2264dupA).
Protein change: p.Asn755fs; shifts the reading frame from asparagine 755.
Molecular consequence: frameshift variant.
Genome position (GRCh38, 1-based): chr11:121,128,241, A duplicated; the last of 2 consecutive A bases (chr11:121,128,240-121,128,241); duplicating either gives the same sequence. VCF-style (leftmost placement, unchanged base first): chr11-121128239-C-CA. GRCh37 (hg19) VCF-style: chr11-120998948-C-CA.
Other names: c.3221dup, p.Asn1074fs (NM_001378761.1); short protein forms N1074fs, N755fs.
Identifiers: ClinVar variation 1685167 (VCV001685167.7), dbSNP rs1159210445, ClinGen allele CA672595248.
Genomic context (GRCh38, chr11:121,128,239, plus strand): 5'-GTTCTCCTACACCCTCCTGAAGACCTGCCCTGAGCGCCCAGAGTACTTGGAAATCGACAT[C>CA]AACAAGAAGAAGCCCGATGCAGGACCTGCTTGGCTGCGGGGACTTCGGATCCTGGTGGCC-3'

ClinVar aggregate classification (germline): Conflicting classifications of pathogenicity. Review status: criteria provided, conflicting classifications (1 of 4 stars). 4 submissions from 4 submitters: Pathogenic (2); Likely pathogenic (1); Uncertain significance (1). Last evaluated 2025-12-17.

Conditions:
TECTA-related disorder. Also called: TECTA-related condition.

Submissions (4):

Labcorp Genetics (formerly Invitae), Labcorp
Classification: Pathogenic. Last evaluated: 2025-12-17. Review status: criteria provided, single submitter. Criteria: Invitae Variant Classification Sherloc (09022015). Collection method: clinical testing. Allele origin: germline.
Comment: This sequence change creates a premature translational stop signal (p.Asn755Lysfs*104) in the TECTA gene. It is expected to result in an absent or disrupted protein product. Loss-of-function variants in TECTA are known to be pathogenic (PMID: 11087000, 12746400, 17431902, 24130743). This variant is not present in population databases (gnomAD no frequency). This variant has not been reported in the literature in individuals affected with TECTA-related conditions. ClinVar contains an entry for this variant (Variation ID: 1685167). For these reasons, this variant has been classified as Pathogenic.

GeneDx
Classification: Pathogenic. Last evaluated: 2025-05-05. Review status: criteria provided, single submitter. Criteria: GeneDx Variant Classification Process June 2021. Collection method: clinical testing. Allele origin: germline. Affected: yes.
Comment: Frameshift variant predicted to result in protein truncation or nonsense mediated decay in a gene for which loss-of-function is a known mechanism of disease; Not observed at significant frequency in large population cohorts (gnomAD); Has not been previously published as pathogenic or benign in association with a TECTA-related disorder to our knowledge; This variant is associated with the following publications: (PMID: 34598035)

Mendelics
Classification: Uncertain significance. Last evaluated: 2022-05-04. Review status: criteria provided, single submitter. Criteria: Mendelics Assertion Criteria 2019. Collection method: clinical testing. Allele origin: germline.

Blueprint Genetics
Classification: Likely pathogenic for TECTA-related disorders. Last evaluated: 2020-12-09. Review status: criteria provided, single submitter. Criteria: ACMG Guidelines, 2015. Collection method: clinical testing. Allele origin: germline. Affected: yes. Observed: 2 variant alleles.

Literature cited by the submitters: PubMed 11087000 (cited by Labcorp Genetics (formerly Invitae), Labcorp); PubMed 12746400 (cited by Labcorp Genetics (formerly Invitae), Labcorp); PubMed 17431902 (cited by Labcorp Genetics (formerly Invitae), Labcorp); PubMed 24130743 (cited by Labcorp Genetics (formerly Invitae), Labcorp).